The following is an entry in ClinVar:

NM_004525.3(LRP2):c.12879A>C (p.Glu4293Asp)

Gene: LRP2 (LDL receptor related protein 2; minus strand). Cytogenetic location: 2q31.1.
Variant type: single nucleotide variant.
Coding change: c.12879A>C on transcript NM_004525.3 (MANE Select); coding-DNA position 12879, A replaced by C.
Protein change: p.Glu4293Asp; replaces glutamic acid 4293 with aspartic acid.
Molecular consequence: missense variant.
Genome position (GRCh38, 1-based): chr2:169,145,856, T>G on the plus strand (A>C on the coding strand, the complement: LRP2 is on the minus strand). VCF-style: chr2-169145856-T-G. GRCh37 (hg19) VCF-style: chr2-170002366-T-G.
Other names: short protein forms E4293D.
Identifiers: ClinVar variation 3242131 (VCV003242131.1), dbSNP rs1244798825.

ClinVar aggregate classification (germline): Uncertain significance (1 of 4 stars; one submission).

Conditions:
Donnai-Barrow syndrome. Also called: DBS/FOAR SYNDROME; FACIOOCULOACOUSTICORENAL SYNDROME. Identifiers: Orphanet 2143, MedGen C1857277, MONDO:0009104, OMIM 222448.

Submission:

Neuberg Centre For Genomic Medicine, NCGM
Classification: Uncertain significance for Donnai-Barrow syndrome. Review status: criteria provided, single submitter. Criteria: ACMG Guidelines, 2015. Collection method: clinical testing. Allele origin: germline. Inheritance: Autosomal recessive inheritance. Affected: yes.
Comment: The observed missense c.12879A>C(p.Glu4293Asp) variant in LRP2 gene has not been reported previously as a pathogenic variant nor as a benign variant, to our knowledge. This variant is absent in gnomAD Exomes. The amino acid Glu at position 4293 is changed to a Asp changing protein sequence and it might alter its composition and physico-chemical properties. The amino acid change p.Glu4293Asp in LRP2 is predicted as conserved by GERP++ and PhyloP across 100 vertebrates. Multiple lines of computational evidence (Polyphen - Damaging, SIFT - Damaging and MutationTaster - Disease causing) predict a damaging effect on protein structure and function for this variant. For these reasons, this variant has been classified as Uncertain Significance.